The following is an entry in ClinVar:

ClinVar aggregate classification (germline): Conflicting classifications of pathogenicity. Review status: criteria provided, conflicting classifications (1 of 4 stars). 2 submissions from 2 submitters: Uncertain significance (1); Benign (1). Last evaluated 2025-10-28.

Conditions:
Hereditary cancer-predisposing syndrome. Also called: Neoplastic Syndromes, Hereditary; Tumor predisposition; Hereditary neoplastic syndrome; Hereditary Cancer Syndrome. Identifiers: Orphanet 140162, MedGen C0027672, MeSH D009386, MONDO:0015356.
Fanconi anemia complementation group O. Also called: RAD51C-Related Fanconi Anemia. Identifiers: Orphanet 84, MedGen C3150653, MONDO:0013248, OMIM 613390.

Allele frequency attached by ClinVar (database versions not stated): gnomAD exomes below 0.00001.
gnomAD v4.1: 1 of 1,613,134 alleles (0.000062%); highest among the groups gnomAD compares: Non-Finnish European, 0.000085%; no homozygotes.

Submissions (2):

Ambry Genetics
Classification: Benign for Hereditary cancer-predisposing syndrome. Last evaluated: 2025-10-28. Review status: criteria provided, single submitter. Criteria: Ambry Variant Classification Scheme 2023. Collection method: clinical testing. Allele origin: germline.

Labcorp Genetics (formerly Invitae), Labcorp
Classification: Uncertain significance for Fanconi anemia complementation group O. Last evaluated: 2024-07-19. Review status: criteria provided, single submitter. Criteria: Invitae Variant Classification Sherloc (09022015). Collection method: clinical testing. Allele origin: germline.
Comment: This sequence change replaces asparagine, which is neutral and polar, with histidine, which is basic and polar, at codon 263 of the RAD51C protein (p.Asn263His). This variant is not present in population databases (gnomAD no frequency). This variant has not been reported in the literature in individuals affected with RAD51C-related conditions. ClinVar contains an entry for this variant (Variation ID: 1760981). Advanced modeling of protein sequence and biophysical properties (such as structural, functional, and spatial information, amino acid conservation, physicochemical variation, residue mobility, and thermodynamic stability) performed at Invitae indicates that this missense variant is not expected to disrupt RAD51C protein function with a negative predictive value of 80%. In summary, the available evidence is currently insufficient to determine the role of this variant in disease. Therefore, it has been classified as a Variant of Uncertain Significance.

NM_058216.3(RAD51C):c.787A>C (p.Asn263His)

Gene: RAD51C (RAD51 paralog C; plus strand). Cytogenetic location: 17q22.
Variant type: single nucleotide variant.
Coding change: c.787A>C on transcript NM_058216.3 (MANE Select); coding-DNA position 787, A replaced by C.
Protein change: p.Asn263His; replaces asparagine 263 with histidine.
Molecular consequence: missense variant. On other transcripts: non-coding transcript variant (1).
Genome position (GRCh38, 1-based): chr17:58,709,940, A>C. VCF-style: chr17-58709940-A-C. GRCh37 (hg19) VCF-style: chr17-56787301-A-C.
Other names: c.*215A>C (NM_058217.1); short protein forms N263H.
Identifiers: ClinVar variation 1760981 (VCV001760981.6), dbSNP rs2509313576, ClinGen allele CA400354023.